The following is an entry in ClinVar:

NM_033380.3(COL4A5):c.3584dup (p.Gly1196fs)

Gene: COL4A5 (collagen type IV alpha 5 chain; plus strand). Cytogenetic location: Xq22.3.
Variant type: Duplication.
Coding change: c.3584dup on transcript NM_033380.3 (MANE Select); coding-DNA position 3584, one base duplicated (C; older notation c.3584dupC).
Protein change: p.Gly1196fs; shifts the reading frame from glycine 1196.
Molecular consequence: frameshift variant.
Genome position (GRCh38, 1-based): chrX:108,667,163, C duplicated; the last of 5 consecutive C bases (chrX:108,667,159-108,667,163); duplicating any one gives the same sequence. VCF-style (leftmost placement, unchanged base first): chrX-108667158-A-AC. GRCh37 (hg19) VCF-style: chrX-107910388-A-AC.
Other names: c.3584dup, p.Gly1196fs (NM_000495.5); short protein forms G1196fs.
Identifiers: ClinVar variation 1075985 (VCV001075985.8), dbSNP rs2147956419, ClinGen allele CA2499226324.

ClinVar aggregate classification (germline): Pathogenic/Likely pathogenic. Review status: criteria provided, multiple submitters, no conflicts (2 of 4 stars). 2 submissions from 2 submitters: Pathogenic (1); Likely pathogenic (1). Last evaluated 2021-08-09.

Conditions:
X-linked Alport syndrome (ATS1). Also called: COL4A5-Related Nephropathy; NEPHROPATHY AND DEAFNESS, X-LINKED. Identifiers: Orphanet 63, Orphanet 88917, MedGen C4746986, MONDO:0010520, OMIM 301050.

Submissions (2):

Labcorp Genetics (formerly Invitae), Labcorp
Classification: Pathogenic. Last evaluated: 2021-08-09. Review status: criteria provided, single submitter. Criteria: Invitae Variant Classification Sherloc (09022015). Collection method: clinical testing. Allele origin: germline.
Comment: This sequence change creates a premature translational stop signal (p.Gly1196Trpfs*11) in the COL4A5 gene. It is expected to result in an absent or disrupted protein product. Loss-of-function variants in COL4A5 are known to be pathogenic (PMID: 9195222, 10752524, 14514738, 24854265, 26809805). This variant is not present in population databases (ExAC no frequency). This variant has not been reported in the literature in individuals affected with COL4A5-related conditions. For these reasons, this variant has been classified as Pathogenic.

Fulgent Genetics
Classification: Likely pathogenic for X-linked Alport syndrome. Last evaluated: 2021-07-07. Review status: criteria provided, single submitter. Criteria: ACMG Guidelines, 2015. Collection method: clinical testing. Allele origin: unknown.

Literature cited by the submitters: PubMed 9195222 (cited by Labcorp Genetics (formerly Invitae), Labcorp); PubMed 10752524 (cited by Labcorp Genetics (formerly Invitae), Labcorp); PubMed 14514738 (cited by Labcorp Genetics (formerly Invitae), Labcorp); PubMed 24854265 (cited by Labcorp Genetics (formerly Invitae), Labcorp); PubMed 26809805 (cited by Labcorp Genetics (formerly Invitae), Labcorp).